The following is an entry in ClinVar:

ClinVar aggregate classification (germline): Uncertain significance. Review status: criteria provided, multiple submitters, no conflicts (2 of 4 stars). 3 submissions from 3 submitters: Uncertain significance (2). 1 of the submissions does not count toward it. Last evaluated 2024-08-25.

Conditions:
Nance-Horan syndrome (NHS). Identifiers: Orphanet 627, MedGen C0796085, MONDO:0010545, OMIM 302350.
Intellectual disability. Also called: Intellectual functioning disability; Intellectual developmental disorder; intellectual disabilities. Identifiers: MedGen C3714756, MeSH D008607, MONDO:0001071, HP:0001249.

Allele frequency attached by ClinVar (database versions not stated): gnomAD exomes below 0.00001; TOPMed 0.00001.

Submissions (3):

GeneDx
Classification: Uncertain significance. Last evaluated: 2024-08-25. Review status: criteria provided, single submitter. Criteria: GeneDx Variant Classification Process June 2021. Collection method: clinical testing. Allele origin: germline.
Comment: Not observed at significant frequency in large population cohorts (gnomAD); In silico analysis supports that this missense variant has a deleterious effect on protein structure/function; Has not been previously published as pathogenic or benign to our knowledge

Labcorp Genetics (formerly Invitae), Labcorp
Classification: Uncertain significance for Nance-Horan syndrome. Last evaluated: 2024-05-18. Review status: criteria provided, single submitter. Criteria: Invitae Variant Classification Sherloc (09022015). Collection method: clinical testing. Allele origin: germline.
Comment: This sequence change replaces glutamine, which is neutral and polar, with histidine, which is basic and polar, at codon 315 of the NHS protein (p.Gln315His). This variant is not present in population databases (gnomAD no frequency). This variant has not been reported in the literature in individuals affected with NHS-related conditions. ClinVar contains an entry for this variant (Variation ID: 975298). Advanced modeling of protein sequence and biophysical properties (such as structural, functional, and spatial information, amino acid conservation, physicochemical variation, residue mobility, and thermodynamic stability) performed at Invitae indicates that this missense variant is expected to disrupt NHS protein function with a positive predictive value of 80%. In summary, the available evidence is currently insufficient to determine the role of this variant in disease. Therefore, it has been classified as a Variant of Uncertain Significance.

Centre de Biologie Pathologie Génétique, Centre Hospitalier Universitaire de Lille
Classification: Likely benign for Intellectual disability. Last evaluated: 2019-01-01. Review status: no assertion criteria provided. Collection method: clinical testing. Allele origin: inherited. Affected: yes. Not counted in ClinVar's aggregate classification.

NM_001291867.2(NHS):c.1008G>C (p.Gln336His)

Gene: NHS (NHS actin remodeling regulator; plus strand). Cytogenetic location: Xp22.13.
Variant type: single nucleotide variant.
Coding change: c.1008G>C on transcript NM_001291867.2 (MANE Select); coding-DNA position 1008, G replaced by C.
Protein change: p.Gln336His; replaces glutamine 336 with histidine.
Molecular consequence: missense variant.
Genome position (GRCh38, 1-based): chrX:17,721,533, G>C. VCF-style: chrX-17721533-G-C. GRCh37 (hg19) VCF-style: chrX-17739653-G-C.
Other names: c.477G>C, p.Gln159His (NM_001136024.4); c.414G>C, p.Gln138His (NM_001291868.2); c.945G>C, p.Gln315His (NM_198270.4); c.945G>C (NM_198270.2); short protein forms Q138H, Q159H, Q315H, Q336H.
Identifiers: ClinVar variation 975298 (VCV000975298.5), dbSNP rs2066405948, ClinGen allele CA412348280.